The following is an entry in ClinVar:

NM_003506.4(FZD6):c.657T>C (p.Thr219=)

Gene: FZD6 (frizzled class receptor 6; plus strand). Cytogenetic location: 8q22.3.
Variant type: single nucleotide variant.
Coding change: c.657T>C on transcript NM_003506.4 (MANE Select); coding-DNA position 657, T replaced by C.
Protein change: p.Thr219=; no amino-acid change (threonine 219 retained).
Molecular consequence: synonymous variant. On other transcripts: non-coding transcript variant (1), intron variant (1).
Genome position (GRCh38, 1-based): chr8:103,324,763, T>C. VCF-style: chr8-103324763-T-C. GRCh37 (hg19) VCF-style: chr8-104336991-T-C.
Other names: c.657T>C, p.Thr219= (NM_001164615.2); c.561T>C, p.Thr187= (NM_001164616.2); c.33-291T>C (NM_001317796.2).
Identifiers: ClinVar variation 3352932 (VCV003352932.1).

ClinVar aggregate classification (germline): Likely benign (0 of 4 stars; one submission).

Conditions:
FZD6-related disorder. Also called: FZD6-related condition.

gnomAD v4.1: 129 of 1,613,818 alleles (0.008%); highest among the groups gnomAD compares: Admixed American, 0.2%; no homozygotes.

Submission:

PreventionGenetics, part of Exact Sciences
Classification: Likely benign for FZD6-related condition. Last evaluated: 2024-04-27. Review status: no assertion criteria provided. Collection method: clinical testing. Allele origin: germline.
Comment: This variant is classified as likely benign based on ACMG/AMP sequence variant interpretation guidelines (Richards et al. 2015 PMID: 25741868, with internal and published modifications).